The following is an entry in ClinVar:

ClinVar aggregate classification (germline): Benign/Likely benign. Review status: criteria provided, multiple submitters, no conflicts (2 of 4 stars). 4 submissions from 4 submitters: Benign (1); Likely benign (3). Last evaluated 2025-01-23.

Conditions:
Hereditary cancer-predisposing syndrome. Also called: Neoplastic Syndromes, Hereditary; Hereditary neoplastic syndrome; Tumor predisposition; Hereditary Cancer Syndrome. Identifiers: Orphanet 140162, MedGen C0027672, MeSH D009386, MONDO:0015356.
Fanconi anemia complementation group J. Also called: BRIP1-Related Fanconi Anemia. Identifiers: Orphanet 84, MedGen C1836860, MONDO:0012187, OMIM 609054.
Familial cancer of breast. Also called: BREAST CANCER, FAMILIAL; hereditary breast carcinoma; Hereditary breast cancer. Identifiers: Orphanet 227535, MedGen C0346153, MONDO:0016419, OMIM 114480. Disease mechanism: loss of function.

Allele frequency attached by ClinVar (database versions not stated): gnomAD 0.00001; gnomAD exomes 0.00001.
gnomAD v4.1: 13 of 1,608,472 alleles (0.00081%); highest among the groups gnomAD compares: Non-Finnish European, 0.0011%; no homozygotes.

Submissions (4):

Labcorp Genetics (formerly Invitae), Labcorp
Classification: Likely benign for Familial cancer of breast; Fanconi anemia complementation group J. Last evaluated: 2025-01-23. Review status: criteria provided, single submitter. Criteria: Invitae Variant Classification Sherloc (09022015). Collection method: clinical testing. Allele origin: germline.

Myriad Genetics, Inc.
Classification: Benign for Familial cancer of breast. Last evaluated: 2024-08-29. Review status: criteria provided, single submitter. Criteria: Myriad Autosomal Dominant, Autosomal Recessive and X-Linked Classification Criteria (2023). Collection method: clinical testing. Allele origin: unknown.
Comment: This variant is considered benign. This variant is a silent/synonymous amino acid change and it is not expected to impact splicing.

Ambry Genetics
Classification: Likely benign for Hereditary cancer-predisposing syndrome. Last evaluated: 2020-09-15. Review status: criteria provided, single submitter. Criteria: Ambry Variant Classification Scheme 2023. Collection method: clinical testing. Allele origin: germline.

Color Diagnostics, LLC DBA Color Health
Classification: Likely benign for Hereditary cancer-predisposing syndrome. Last evaluated: 2019-05-28. Review status: criteria provided, single submitter. Criteria: ACMG Guidelines, 2015. Collection method: clinical testing. Allele origin: germline.

NM_032043.3(BRIP1):c.1797C>G (p.Ala599=)

Gene: BRIP1 (BRCA1 interacting DNA helicase 1; minus strand). Cytogenetic location: 17q23.2.
Variant type: single nucleotide variant.
Coding change: c.1797C>G on transcript NM_032043.3 (MANE Select); coding-DNA position 1797, C replaced by G.
Protein change: p.Ala599=; no amino-acid change (alanine 599 retained).
Molecular consequence: synonymous variant.
Genome position (GRCh38, 1-based): chr17:61,780,399, G>C on the plus strand (C>G on the coding strand, the complement: BRIP1 is on the minus strand). VCF-style: chr17-61780399-G-C. GRCh37 (hg19) VCF-style: chr17-59857760-G-C.
Identifiers: ClinVar variation 530362 (VCV000530362.17), dbSNP rs771672834, ClinGen allele CA501150434.
Genomic context (GRCh38, chr17:61,780,399, plus strand): 5'-TGGTGATAATGTACCAGATGTCAAAACAATGGTCTGAACTTTGCCATTAATATCTGAAAA[G>C]GCCTAAAAGAAAACAACATTAGATAAATAAAATTATCTTTAGAAGAGGCTGGGCAAAGTG-3'
Protein context (NP_114432.2, residues 589-609): LNFWCLNPAV[Ala599=]FSDINGKVQT